The following is an entry in ClinVar:

NM_000113.3(TOR1A):c.120G>A (p.Pro40=)

Gene: TOR1A (torsin family 1 member A; minus strand). Cytogenetic location: 9q34.11.
Variant type: single nucleotide variant.
Coding change: c.120G>A on transcript NM_000113.3 (MANE Select); coding-DNA position 120, G replaced by A.
Protein change: p.Pro40=; no amino-acid change (proline 40 retained).
Molecular consequence: synonymous variant.
Genome position (GRCh38, 1-based): chr9:129,823,966, C>T on the plus strand (G>A on the coding strand, the complement: TOR1A is on the minus strand). VCF-style: chr9-129823966-C-T. GRCh37 (hg19) VCF-style: chr9-132586245-C-T.
Identifiers: ClinVar variation 2659577 (VCV002659577.24), dbSNP rs771332230, ClinGen allele CA5278754.
Genomic context (GRCh38, chr9:129,823,966, plus strand): 5'-ACCCTCCCGGCTAAGGCTCCGCTTCTGCCCGCAGCACTCGGCGAAGAGGCAGTAGAGACG[C>T]GGGTAGATGTAGCCGGTGAGGACGCCGGCCAGGGCCAGTCCCAGGCTGATGGGCTCCACC-3'
Protein context (NP_000104.1, residues 30-50): LAGVLTGYIY[Pro40=]RLYCLFAECC

ClinVar aggregate classification (germline): Likely benign (1 of 4 stars; one submission).

Allele frequency attached by ClinVar (database versions not stated): ExAC 0.00001.

Submission:

CeGaT Center for Human Genetics Tuebingen
Classification: Likely benign. Last evaluated: 2022-10-01. Review status: criteria provided, single submitter. Criteria: CeGaT Center For Human Genetics Tuebingen Variant Classification Criteria Version 2. Collection method: clinical testing. Allele origin: germline. Affected: yes. Observed: 1 variant allele.
Comment: TOR1A: BP4, BP7